The following is an entry in ClinVar:

ClinVar aggregate classification (germline): Uncertain significance (1 of 4 stars; one submission).

Allele frequency attached by ClinVar (database versions not stated): TOPMed 0.00001; gnomAD 0.00005; gnomAD exomes 0.00009; 1000 Genomes Project 30x 0.00047; 1000 Genomes Project 0.00060.
gnomAD v4.1: 123 of 1,527,356 alleles (0.0081%); highest among the groups gnomAD compares: East Asian, 0.3%; 1 homozygote.

Submission:

Labcorp Genetics (formerly Invitae), Labcorp
Classification: Uncertain significance. Last evaluated: 2025-03-27. Review status: criteria provided, single submitter. Criteria: Invitae Variant Classification Sherloc (09022015). Collection method: clinical testing. Allele origin: germline.
Comment: This sequence change falls in intron 2 of the FBLN5 gene. It does not directly change the encoded amino acid sequence of the FBLN5 protein. It affects a nucleotide within the consensus splice site. This variant is present in population databases (rs150715038, gnomAD 0.05%). This variant has not been reported in the literature in individuals affected with FBLN5-related conditions. ClinVar contains an entry for this variant (Variation ID: 1946101). Variants that disrupt the consensus splice site are a relatively common cause of aberrant splicing (PMID: 17576681, 9536098). Algorithms developed to predict the effect of sequence changes on RNA splicing suggest that this variant is not likely to affect RNA splicing. In summary, the available evidence is currently insufficient to determine the role of this variant in disease. Therefore, it has been classified as a Variant of Uncertain Significance.

Literature cited by the submitters: PubMed 17576681; PubMed 9536098.

NM_006329.4(FBLN5):c.72+5G>T

Gene: FBLN5 (fibulin 5; minus strand). Cytogenetic location: 14q32.12.
Variant type: single nucleotide variant.
Coding change: c.72+5G>T on transcript NM_006329.4 (MANE Select); 5 bases into the intron after coding-DNA position 72, G replaced by T.
Molecular consequence: intron variant.
Genome position (GRCh38, 1-based): chr14:91,942,902, C>A on the plus strand (G>T on the coding strand, the complement: FBLN5 is on the minus strand). VCF-style: chr14-91942902-C-A. GRCh37 (hg19) VCF-style: chr14-92409246-C-A.
Other names: c.72+5G>T (NM_001384160.1, NM_001384158.1); c.-198+5G>T (NM_001384162.1, NM_001384161.1); c.123+5G>T (NM_001384159.1).
Identifiers: ClinVar variation 1946101 (VCV001946101.5), dbSNP rs150715038, ClinGen allele CA7312976.
Genomic context (GRCh38, chr14:91,942,902, plus strand): 5'-GGCTGGACTCCCTCACCCCGGATTTTAATACGCTTGTAGATATTTTTTAAAAATAAAAAT[C>A]TTACCTGTGCATTCCCAGGGCTTGGAAGACAGAGAGCCAGAATGGTAACAGTGAGTATCC-3'